The following is an entry in ClinVar:

NM_024608.4(NEIL1):c.990C>T (p.Asp330=)

Gene: NEIL1 (nei like DNA glycosylase 1; plus strand). Cytogenetic location: 15q24.2.
Variant type: single nucleotide variant.
Coding change: c.990C>T on transcript NM_024608.4 (MANE Select); coding-DNA position 990, C replaced by T.
Protein change: p.Asp330=; no amino-acid change (aspartic acid 330 retained).
Molecular consequence: synonymous variant. On other transcripts: non-coding transcript variant (1).
Genome position (GRCh38, 1-based): chr15:75,354,706, C>T. VCF-style: chr15-75354706-C-T. GRCh37 (hg19) VCF-style: chr15-75647047-C-T.
Other names: c.1248C>T, p.Asp416= (NM_001256552.1); c.684C>T, p.Asp228= (NM_001352520.2).
Identifiers: ClinVar variation 3053096 (VCV003053096.2), dbSNP rs369173316, ClinGen allele CA7665823.

ClinVar aggregate classification (germline): Likely benign (0 of 4 stars; one submission).

Conditions:
NEIL1-related disorder. Also called: NEIL1-related condition.

Allele frequency attached by ClinVar (database versions not stated): TOPMed 0.00005; ExAC 0.00007; gnomAD 0.00007; ESP Exome Variant Server 0.00008.
gnomAD v4.1: 115 of 1,614,070 alleles (0.0071%); highest among the groups gnomAD compares: Admixed American, 0.012%; 1 homozygote.

Submission:

PreventionGenetics, part of Exact Sciences
Classification: Likely benign for NEIL1-related condition. Last evaluated: 2019-09-06. Review status: no assertion criteria provided. Collection method: clinical testing. Allele origin: germline.
Comment: This variant is classified as likely benign based on ACMG/AMP sequence variant interpretation guidelines (Richards et al. 2015 PMID: 25741868, with internal and published modifications).